The following is an entry in ClinVar:

NM_000492.4(CFTR):c.3587C>G (p.Ser1196Ter)

Genes: CFTR (CF transmembrane conductance regulator; plus strand), CFTR-AS2 (CFTR antisense RNA 2; minus strand). Cytogenetic location: 7q31.2.
Variant type: single nucleotide variant.
Coding change: c.3587C>G on transcript NM_000492.4 (MANE Select); coding-DNA position 3587, C replaced by G.
Protein change: p.Ser1196Ter; replaces serine 1196 with a stop codon.
Molecular consequence: nonsense.
Genome position (GRCh38, 1-based): chr7:117,627,640, C>G. VCF-style: chr7-117627640-C-G. GRCh37 (hg19) VCF-style: chr7-117267694-C-G.
Other names: S1196*.
Identifiers: ClinVar variation 48674 (VCV000048674.20), dbSNP rs121908763, ClinGen allele CA328116.

ClinVar aggregate classification (germline): Pathogenic. Review status: reviewed by expert panel (3 of 4 stars). 10 submissions from 10 submitters: Pathogenic (1). 9 of the submissions do not count toward it. Last evaluated 2017-03-17.

Conditions:
CFTR-related disorder (CFTR-RD). Also called: CFTR-related condition; CFTR-related disorders. Identifiers: MedGen C5924204, MONDO:7770004.
Bronchiectasis with or without elevated sweat chloride 1 (BESC1). Also called: Cystic Fibrosis-Like Syndrome. Identifiers: Orphanet 60033, MedGen C2749757, MONDO:0008887, OMIM 211400.
Congenital bilateral aplasia of vas deferens from CFTR mutation (CBAVD). Identifiers: Orphanet 48, MedGen C0403814, MONDO:0010178, OMIM 277180. Disease mechanism: loss of function.
Cystic fibrosis (CF). Also called: MUCOVISCIDOSIS. Identifiers: Orphanet 586, MedGen C0010674, MONDO:0009061, OMIM 219700. Disease mechanism: loss of function.
Hereditary pancreatitis (PCTT). Also called: PRSS1-Related Hereditary Pancreatitis; Hereditary chronic pancreatitis. Identifiers: Orphanet 676, MedGen C0238339, MONDO:0008185, OMIM 167800.

Allele frequency attached by ClinVar (database versions not stated): gnomAD exomes 0.00001 and below 0.00001; ExAC 0.00002.
gnomAD v4.1: 3 of 1,613,468 alleles (0.00019%); highest among the groups gnomAD compares: Non-Finnish European, 0.00025%; no homozygotes.

Submissions (10):

CFTR2
Classification: Pathogenic for Cystic fibrosis. Last evaluated: 2017-03-17. Review status: reviewed by expert panel. Criteria: Sosnay PR et al. (Nat Genet 2013). Collection method: research. Allele origin: germline. Affected: yes. Study: CFTR2.

Natera, Inc.
Classification: Pathogenic for CFTR-related disorders. Last evaluated: 2025-02-10. Review status: criteria provided, single submitter. Criteria: Natera Variant Classification Schema (03/2026). Collection method: clinical testing. Allele origin: germline. Not counted in ClinVar's aggregate classification.
Comment: The c.3587C>G variant in CFTR is a nonsense variant predicted to introduce a stop codon at amino acid 1196. This variant is expected to result in nonsense mediated decay, truncation, or a dysfunctional protein product. This variant is rare in the general population with a frequency below the threshold expected for the associated phenotype(s). This variant has been observed in one or more individuals affected with the associated recessive disease, as either homozygous or compound heterozygous with a second variant (PMID: 38003474). Given the available evidence, this variant is classified as Pathogenic.

Quest Diagnostics Nichols Institute San Juan Capistrano
Classification: Pathogenic. Last evaluated: 2024-09-19. Review status: criteria provided, single submitter. Criteria: Quest Diagnostics criteria. Collection method: clinical testing. Allele origin: unknown. Not counted in ClinVar's aggregate classification.
Comment: The CFTR c.3587C>G (p.Ser1196*) variant causes the premature termination of CFTR protein synthesis. This variant has been reported in the published literature in affected individuals with cystic fibrosis (PMIDs: 23276700 (2013), 18456578 (2008), 1837340 (2008), 16051530 (2005), 8889582 (1996), 7681034 (1993), and 7541274 (1995)). It has also been reported in individuals with cystic fibrosis and congenital bilateral absence of the vas deferens (PMID: 38003474 (2023)). In addition, it is associated with pancreatic insufficiency, elevated sweat chloride levels, and a higher rate of pseudomonas infection (PMID: 23974870 (2013)). The frequency of this variant in the general population, 0.0044 (13/2922 chromosomes (Genome Aggregation Database)), is consistent with pathogenicity. Based on the available information, this variant is classified as pathogenic.

Baylor Genetics
Classification: Pathogenic for Bronchiectasis with or without elevated sweat chloride 1. Last evaluated: 2023-09-10. Review status: criteria provided, single submitter. Criteria: ACMG Guidelines, 2015. Collection method: clinical testing. Allele origin: unknown. Not counted in ClinVar's aggregate classification.

Labcorp Genetics (formerly Invitae), Labcorp
Classification: Pathogenic for Cystic fibrosis. Last evaluated: 2023-05-08. Review status: criteria provided, single submitter. Criteria: Invitae Variant Classification Sherloc (09022015). Collection method: clinical testing. Allele origin: germline. Not counted in ClinVar's aggregate classification.
Comment: For these reasons, this variant has been classified as Pathogenic. ClinVar contains an entry for this variant (Variation ID: 48674). This premature translational stop signal has been observed in individual(s) with cystic fibrosis (PMID: 7681034, 32429104). This variant is present in population databases (rs121908763, gnomAD 0.002%). This sequence change creates a premature translational stop signal (p.Ser1196*) in the CFTR gene. It is expected to result in an absent or disrupted protein product. Loss-of-function variants in CFTR are known to be pathogenic (PMID: 1695717, 7691345, 9725922).

Fulgent Genetics
Classification: Pathogenic for Hereditary pancreatitis; Bronchiectasis with or without elevated sweat chloride 1; Cystic fibrosis; Congenital bilateral aplasia of vas deferens from CFTR mutation. Last evaluated: 2022-01-04. Review status: criteria provided, single submitter. Criteria: ACMG Guidelines, 2015. Collection method: clinical testing. Allele origin: unknown. Not counted in ClinVar's aggregate classification.

Women's Health and Genetics/Laboratory Corporation of America, LabCorp
Classification: Pathogenic for Cystic fibrosis. Last evaluated: 2021-02-27. Review status: criteria provided, single submitter. Criteria: LabCorp Variant Classification Summary - May 2015. Collection method: clinical testing. Allele origin: germline. Not counted in ClinVar's aggregate classification.
Comment: Variant summary: CFTR c.3587C>G (p.Ser1196X) results in a premature termination codon, predicted to cause a truncation of the encoded protein or absence of the protein due to nonsense mediated decay, which are commonly known mechanisms for disease. Truncations downstream of this position have been classified as pathogenic by our laboratory. The variant allele was found at a frequency of 8e-06 in 250468 control chromosomes. c.3587C>G has been reported in the literature in multiple individuals affected with Cystic Fibrosis (example Sosnay_2013). These data indicate that the variant is very likely to be associated with disease. One clinical diagnostic laboratory, one expert panel (CFTR2) and a database (CFTR-France) have submitted clinical-significance assessments for this variant to ClinVar after 2014 without evidence for independent evaluation. All submitters classified the variant as pathogenic. Based on the evidence outlined above, the variant was classified as pathogenic.

Myriad Genetics, Inc.
Classification: Pathogenic for Cystic fibrosis. Last evaluated: 2019-12-04. Review status: criteria provided, single submitter. Criteria: Myriad Women's Health Autosomal Recessive and X-Linked Classification Criteria (2019). Collection method: clinical testing. Allele origin: unknown. Not counted in ClinVar's aggregate classification.
Comment: NM_000492.3(CFTR):c.3587C>G(S1196*) is classified as pathogenic in the context of cystic fibrosis. Sources cited for classification include the following: PMID 23276700, 16051530, 12624947, 7541274, 8889582, 23974870, 12007216, 7681034, 18456578 and 18373402. Classification of NM_000492.3(CFTR):c.3587C>G(S1196*) is based on the following criteria: The variant causes a premature termination codon that is expected to be targeted by nonsense-mediated mRNA decay and is reported in individuals with the relevant phenotype. Please note: this variant was assessed in the context of healthy population screening.

CFTR-France
Classification: Pathogenic for cystic fibrosis. Last evaluated: 2018-01-29. Review status: criteria provided, single submitter. Criteria: Claustres M et al. (Hum Mutat 2017). Collection method: curation. Allele origin: germline. Affected: yes. Not counted in ClinVar's aggregate classification.

Ambry Genetics
Classification: Pathogenic for Cystic fibrosis. Last evaluated: 2014-06-24. Review status: criteria provided, single submitter. Criteria: Ambry Variant Classification Scheme 2023. Collection method: clinical testing. Allele origin: germline. Not counted in ClinVar's aggregate classification.
Comment: The p.S1196* pathogenic mutation (also known as c.3587C>G) located in coding exon 22 of the CFTR gene, results from a C to G substitution at nucleotide position 3587. This changes the amino acid from a serine to a stop codon within coding exon 22. This pathogenic mutation is associated with pancreatic insufficiency (PI), elevated sweat chloride levels, and higher rate of Pseudomonas infection (Sosnay PR et al. Nat Genet. 2013;45(10):1160-1167, Supplementary Table and The Clinical and Functional Translation of CFTR (CFTR2); available at CFTR2. Accessed June 23, 2014). In addition, since premature stop codons are typically deleterious in nature, this alteration is interpreted as a disease-causing mutation (ACMG Recommendations for Standards for Interpretation and Reporting of Sequence Variations. Revision 2007. Genet Med. 2008;10:294).

Literature cited by the submitters: PubMed 38003474 (cited by Natera, Inc. and Quest Diagnostics Nichols Institute San Juan Capistrano); PubMed 32429104 (cited by 3 submitters); PubMed 7681034 (cited by 5 submitters); PubMed 23276700 (cited by Quest Diagnostics Nichols Institute San Juan Capistrano and Myriad Genetics, Inc.); PubMed 18456578 (cited by Quest Diagnostics Nichols Institute San Juan Capistrano and Myriad Genetics, Inc.); PubMed 18373402 (cited by Quest Diagnostics Nichols Institute San Juan Capistrano and Myriad Genetics, Inc.); PubMed 16051530 (cited by Quest Diagnostics Nichols Institute San Juan Capistrano and Myriad Genetics, Inc.); PubMed 12007216 (cited by Quest Diagnostics Nichols Institute San Juan Capistrano and Myriad Genetics, Inc.); PubMed 8889582 (cited by Quest Diagnostics Nichols Institute San Juan Capistrano and Myriad Genetics, Inc.); PubMed 7541274 (cited by Quest Diagnostics Nichols Institute San Juan Capistrano and Myriad Genetics, Inc.); PubMed 23974870 (cited by 3 submitters); PubMed 1695717 (cited by Labcorp Genetics (formerly Invitae), Labcorp); PubMed 7691345 (cited by Labcorp Genetics (formerly Invitae), Labcorp); PubMed 9725922 (cited by Labcorp Genetics (formerly Invitae), Labcorp); PubMed 12624947 (cited by Myriad Genetics, Inc.).